The following is an entry in ClinVar:

ClinVar aggregate classification (germline): Conflicting classifications of pathogenicity. Review status: criteria provided, conflicting classifications (1 of 4 stars). 3 submissions from 3 submitters: Uncertain significance (2); Likely benign (1). Last evaluated 2025-12-23.

Conditions:
Autosomal recessive nonsyndromic hearing loss 28. Identifiers: Orphanet 90636, MedGen C1853276, MONDO:0012355, OMIM 609823.
TRIOBP-related disorder. Also called: TRIOBP-related condition.

Allele frequency attached by ClinVar (database versions not stated): 1000 Genomes Project 30x 0.00016; 1000 Genomes Project 0.00020; ExAC 0.00046.
gnomAD v4.1: 140 of 1,552,340 alleles (0.009%); highest among the groups gnomAD compares: South Asian, 0.12%; no homozygotes.

Submissions (3):

PreventionGenetics, part of Exact Sciences
Classification: Likely benign for TRIOBP-related condition. Last evaluated: 2025-12-23. Review status: criteria provided, single submitter. Criteria: ACMG Guidelines, 2015. Collection method: clinical testing. Allele origin: germline.
Comment: This variant is classified as likely benign based on ACMG/AMP sequence variant interpretation guidelines (Richards et al. 2015 PMID: 25741868, with internal and published modifications).

GeneDx
Classification: Uncertain significance. Last evaluated: 2024-09-10. Review status: criteria provided, single submitter. Criteria: GeneDx Variant Classification Process June 2021. Collection method: clinical testing. Allele origin: germline. Affected: yes.
Comment: In silico analysis supports that this missense variant has a deleterious effect on protein structure/function; Has not been previously published as pathogenic or benign to our knowledge

Neuberg Centre For Genomic Medicine, NCGM
Classification: Uncertain significance for Autosomal recessive nonsyndromic hearing loss 28. Review status: criteria provided, single submitter. Criteria: ACMG Guidelines, 2015. Collection method: clinical testing. Allele origin: germline. Inheritance: Autosomal recessive inheritance. Affected: yes.
Comment: The missense c.5849C>T(p.Pro1950Leu) variant in TRIOBP gene has not been reported previously as a pathogenic variant nor a benign variant, to our knowledge. The p.Pro1950Leu variant has been reported with allele frequency of 0.02% in gnomAD Exomes. This variant has not been reported to the ClinVar database. The amino acid change p.Pro1950Leu in TRIOBP is predicted as conserved by GERP++ and PhyloP across 100 vertebrates. The amino acid Pro at position 1950 is changed to a Leu changing protein sequence and it might alter its composition and physico-chemical properties. For these reasons, this variant has been classified as a Variant of Uncertain Significance (VUS).

NM_001039141.3(TRIOBP):c.5849C>T (p.Pro1950Leu)

Gene: TRIOBP (TRIO and F-actin binding protein; plus strand). Cytogenetic location: 22q13.1.
Variant type: single nucleotide variant.
Coding change: c.5849C>T on transcript NM_001039141.3 (MANE Select); coding-DNA position 5849, C replaced by T.
Protein change: p.Pro1950Leu; replaces proline 1950 with leucine.
Molecular consequence: missense variant.
Genome position (GRCh38, 1-based): chr22:37,757,774, C>T. VCF-style: chr22-37757774-C-T. GRCh37 (hg19) VCF-style: chr22-38153781-C-T.
Other names: c.710C>T, p.Pro237Leu (NM_007032.5, NM_138632.2); c.5849C>T (NM_001039141.2); short protein forms P1950L, P237L.
Identifiers: ClinVar variation 2663969 (VCV002663969.3), dbSNP rs564660033, ClinGen allele CA10224830.
Genomic context (GRCh38, chr22:37,757,774, plus strand): 5'-GGGGTGGCCCTCGGAAGGCGGACGGGCAGCGTCAGGCCTTGGACTACGTGGAGCTCTCGC[C>T]GCTGACCCAGGCTTCCCCGCAGCGGGCCCGCACCCCAGCCCGCACTCCTGACCGCCTGGC-3'
Protein context (NP_001034230.1, residues 1940-1960): RQALDYVELS[Pro1950Leu]LTQASPQRAR